The following is an entry in ClinVar:

NM_002230.4(JUP):c.1842C>G (p.Asp614Glu)

Gene: JUP (junction plakoglobin; minus strand). Cytogenetic location: 17q21.2.
Variant type: single nucleotide variant.
Coding change: c.1842C>G on transcript NM_002230.4 (MANE Select); coding-DNA position 1842, C replaced by G.
Protein change: p.Asp614Glu; replaces aspartic acid 614 with glutamic acid.
Molecular consequence: missense variant.
Genome position (GRCh38, 1-based): chr17:41,757,716, G>C on the plus strand (C>G on the coding strand, the complement: JUP is on the minus strand). VCF-style: chr17-41757716-G-C. GRCh37 (hg19) VCF-style: chr17-39913968-G-C.
Other names: c.1842C>G, p.Asp614Glu (NM_001352773.2, NM_001352774.2, NM_001352775.2 and 3 more transcripts); short protein forms D614E.
Identifiers: ClinVar variation 1525859 (VCV001525859.8), dbSNP rs2143427860, ClinGen allele CA399492422.

ClinVar aggregate classification (germline): Uncertain significance (1 of 4 stars; one submission).

Conditions:
Arrhythmogenic right ventricular dysplasia 12. Also called: ARRHYTHMOGENIC RIGHT VENTRICULAR DYSPLASIA, FAMILIAL, 12. Identifiers: MedGen C1969081, MONDO:0012684, OMIM 611528.
Naxos disease (NXD). Also called: PALMOPLANTAR KERATODERMA WITH ARRHYTHMOGENIC RIGHT VENTRICULAR CARDIOMYOPATHY AND WOOLLY HAIR; KERATOSIS PALMOPLANTARIS WITH ARRHYTHMOGENIC CARDIOMYOPATHY; MAL DE NAXOS; WOOLLY HAIR, PALMOPLANTAR KERATODERMA, AND CARDIAC ABNORMALITIES; CARDIOMYOPATHY, ARRHYTHMOGENIC RIGHT VENTRICULAR, WITH SKIN, HAIR, AND NAIL ABNORMALITIES. Identifiers: Orphanet 34217, MedGen C1832600, MONDO:0011017, OMIM 601214.

Submission:

Labcorp Genetics (formerly Invitae), Labcorp
Classification: Uncertain significance for Arrhythmogenic right ventricular dysplasia 12; Naxos disease. Last evaluated: 2021-03-24. Review status: criteria provided, single submitter. Criteria: Invitae Variant Classification Sherloc (09022015). Collection method: clinical testing. Allele origin: germline.
Comment: This sequence change replaces aspartic acid with glutamic acid at codon 614 of the JUP protein (p.Asp614Glu). The aspartic acid residue is moderately conserved and there is a small physicochemical difference between aspartic acid and glutamic acid. This variant is not present in population databases (ExAC no frequency). This variant has not been reported in the literature in individuals with JUP-related conditions. Algorithms developed to predict the effect of missense changes on protein structure and function (SIFT, PolyPhen-2, Align-GVGD) all suggest that this variant is likely to be tolerated, but these predictions have not been confirmed by published functional studies and their clinical significance is uncertain. In summary, the available evidence is currently insufficient to determine the role of this variant in disease. Therefore, it has been classified as a Variant of Uncertain Significance.